The following is an entry in ClinVar:

NM_001123385.2(BCOR):c.1026A>G (p.Arg342=)

Genes: BCOR (BCL6 corepressor; minus strand), LOC126863239 (MED14-independent group 3 enhancer GRCh37_chrX:39932994-39934193; plus strand). Cytogenetic location: Xp11.4.
Variant type: single nucleotide variant.
Coding change: c.1026A>G on transcript NM_001123385.2 (MANE Select); coding-DNA position 1026, A replaced by G.
Protein change: p.Arg342=; no amino-acid change (arginine 342 retained).
Molecular consequence: synonymous variant.
Genome position (GRCh38, 1-based): chrX:40,074,320, T>C on the plus strand (A>G on the coding strand, the complement: BCOR is on the minus strand). VCF-style: chrX-40074320-T-C. GRCh37 (hg19) VCF-style: chrX-39933573-T-C.
Other names: c.1026A>G, p.Arg342= (NM_001123383.2, NM_001123384.2, NM_017745.6).
Identifiers: ClinVar variation 3388223 (VCV003388223.14).

ClinVar aggregate classification (germline): Likely benign (1 of 4 stars; one submission).

Submission:

CeGaT Center for Human Genetics Tuebingen
Classification: Likely benign. Last evaluated: 2024-11-01. Review status: criteria provided, single submitter. Criteria: CeGaT Center For Human Genetics Tuebingen Variant Classification Criteria Version 2. Collection method: clinical testing. Allele origin: germline. Affected: yes. Observed: 1 variant allele.
Comment: BCOR: PM2:Supporting, BP4, BP7